The following is an entry in ClinVar:

NM_015272.5(RPGRIP1L):c.3255C>A (p.Asp1085Glu)

Gene: RPGRIP1L (RPGRIP1 like; minus strand). Cytogenetic location: 16q12.2.
Variant type: single nucleotide variant.
Coding change: c.3255C>A on transcript NM_015272.5 (MANE Select); coding-DNA position 3255, C replaced by A.
Protein change: p.Asp1085Glu; replaces aspartic acid 1085 with glutamic acid.
Molecular consequence: missense variant.
Genome position (GRCh38, 1-based): chr16:53,636,478, G>T on the plus strand (C>A on the coding strand, the complement: RPGRIP1L is on the minus strand). VCF-style: chr16-53636478-G-T. GRCh37 (hg19) VCF-style: chr16-53670390-G-T.
Other names: c.3153C>A, p.Asp1051Glu (NM_001127897.4, NM_001330538.2); c.3255C>A, p.Asp1085Glu (NM_001308334.3); c.3255C>A (NM_015272.4); short protein forms D1085E, D1051E.
Identifiers: ClinVar variation 1036411 (VCV001036411.13), dbSNP rs1965840419, ClinGen allele CA395925726.

ClinVar aggregate classification (germline): Uncertain significance. Review status: criteria provided, multiple submitters, no conflicts (2 of 4 stars). 2 submissions from 2 submitters: Uncertain significance (2). Last evaluated 2025-01-07.

Conditions:
RPGRIP1L-related disorder. Also called: RPGRIP1L-related disorders; RPGRIP1L-related condition. Identifiers: MedGen CN239416.
Joubert syndrome. Also called: Familial aplasia of the vermis; JOUBERT-BOLTSHAUSER SYNDROME. Identifiers: Orphanet 475, MedGen C5979921, MONDO:0018772.
Meckel-Gruber syndrome. Also called: DYSENCEPHALIA SPLANCHNOCYSTICA; GRUBER SYNDROME; Dysencephalia splachnocystica. Identifiers: Orphanet 564, MedGen C0265215, MONDO:0018921.

Allele frequency attached by ClinVar (database versions not stated): gnomAD 0.00001.
gnomAD v4.1: 1 of 1,612,306 alleles (0.000062%); highest among the groups gnomAD compares: African/African-American, 0.0013%; no homozygotes.

Submissions (2):

PreventionGenetics, part of Exact Sciences
Classification: Uncertain significance for RPGRIP1L-related condition. Last evaluated: 2025-01-07. Review status: criteria provided, single submitter. Criteria: ACMG Guidelines, 2015. Collection method: clinical testing. Allele origin: germline.
Comment: The RPGRIP1L c.3255C>A variant is predicted to result in the amino acid substitution p.Asp1085Glu. To our knowledge, this variant has not been reported in the literature or in a large population database (gnomAD), indicating this variant is rare. At this time, the clinical significance of this variant is uncertain due to the absence of conclusive functional and genetic evidence.

Labcorp Genetics (formerly Invitae), Labcorp
Classification: Uncertain significance for Joubert syndrome; Meckel-Gruber syndrome. Last evaluated: 2024-01-19. Review status: criteria provided, single submitter. Criteria: Invitae Variant Classification Sherloc (09022015). Collection method: clinical testing. Allele origin: germline.
Comment: This sequence change replaces aspartic acid, which is acidic and polar, with glutamic acid, which is acidic and polar, at codon 1085 of the RPGRIP1L protein (p.Asp1085Glu). This variant is not present in population databases (gnomAD no frequency). This variant has not been reported in the literature in individuals affected with RPGRIP1L-related conditions. ClinVar contains an entry for this variant (Variation ID: 1036411). Advanced modeling of protein sequence and biophysical properties (such as structural, functional, and spatial information, amino acid conservation, physicochemical variation, residue mobility, and thermodynamic stability) performed at Invitae indicates that this missense variant is not expected to disrupt RPGRIP1L protein function with a negative predictive value of 80%. In summary, the available evidence is currently insufficient to determine the role of this variant in disease. Therefore, it has been classified as a Variant of Uncertain Significance.